The following is an entry in ClinVar:

NM_000115.5(EDNRB):c.-121G>T

Gene: EDNRB (endothelin receptor type B; minus strand). Cytogenetic location: 13q22.3.
Variant type: single nucleotide variant.
Coding change: c.-121G>T on transcript NM_000115.5; 121 bases upstream of the start codon, G replaced by T.
Molecular consequence: 5 prime UTR variant.
Genome position (GRCh38, 1-based): chr13:77,975,416, C>A on the plus strand (G>T on the coding strand, the complement: EDNRB is on the minus strand). VCF-style: chr13-77975416-C-A. GRCh37 (hg19) VCF-style: chr13-78549551-C-A.
Identifiers: ClinVar variation 884206 (VCV000884206.6), dbSNP rs12720105, ClinGen allele CA13863284.

ClinVar aggregate classification (germline): Benign (1 of 4 stars; one submission).

Conditions:
Hirschsprung disease, susceptibility to, 2. Identifiers: Orphanet 388, MedGen C1838564, MONDO:0010833, OMIM 600155.

Allele frequency attached by ClinVar (database versions not stated): gnomAD exomes 0.20000; 1000 Genomes Project 30x 0.32277; 1000 Genomes Project 0.32648; TOPMed 0.26406.
gnomAD v4.1: 37,762 of 152,200 alleles (25%); highest among the groups gnomAD compares: East Asian, 54%; 5,850 homozygotes.

Submission:

Illumina Laboratory Services, Illumina
Classification: Benign for Hirschsprung disease, susceptibility to, 2. Last evaluated: 2018-01-13. Review status: criteria provided, single submitter. Criteria: ICSL Variant Classification Criteria 13 December 2019. Collection method: clinical testing. Allele origin: germline.
Comment: This variant was observed in the ICSL laboratory as part of a predisposition screen in an ostensibly healthy population. It had not been previously curated by ICSL or reported in the Human Gene Mutation Database (HGMD: prior to June 1st, 2018), and was therefore a candidate for classification through an automated scoring system. Utilizing variant allele frequency, disease prevalence and penetrance estimates, and inheritance mode, an automated score was calculated to assess if this variant is too frequent to cause the disease. Based on the score and internal cut-off values, a variant classified as benign is not then subjected to further curation. The score for this variant resulted in a classification of benign for this disease.